The following is an entry in ClinVar:

ClinVar aggregate classification (germline): Uncertain significance. Review status: criteria provided, multiple submitters, no conflicts (2 of 4 stars). 2 submissions from 2 submitters: Uncertain significance (2). Last evaluated 2025-09-05.

Conditions:
Cardiomyopathy (CMYO). Also called: Cardiomyopathies. Identifiers: Orphanet 167848, MedGen C0878544, MONDO:0004994, HP:0001638. Inheritance: Various modes of inheritance.
Cardiovascular phenotype. Identifiers: MedGen CN230736.

Submissions (2):

Ambry Genetics
Classification: Uncertain significance for Cardiovascular phenotype. Last evaluated: 2025-09-05. Review status: criteria provided, single submitter. Criteria: Ambry Variant Classification Scheme 2023. Collection method: clinical testing. Allele origin: germline.
Comment: The p.W2773R variant (also known as c.8317T>C), located in coding exon 56 of the RYR2 gene, results from a T to C substitution at nucleotide position 8317. The tryptophan at codon 2773 is replaced by arginine, an amino acid with dissimilar properties. This variant was reported in individual(s) with features consistent with ventricular arrhythmia (Ambry internal data). This amino acid position is highly conserved in available vertebrate species. In addition, the in silico prediction for this alteration is inconclusive. Based on the available evidence, the clinical significance of this variant remains unclear.

Color Diagnostics, LLC DBA Color Health
Classification: Uncertain significance for Cardiomyopathy. Last evaluated: 2023-12-05. Review status: criteria provided, single submitter. Criteria: ACMG Guidelines, 2015. Collection method: clinical testing. Allele origin: germline.
Comment: This missense variant replaces tryptophan with arginine at codon 2773 of the RYR2 protein. Computational prediction tools and conservation analyses suggest that this variant may have deleterious impact on the protein function. Computational splicing tools suggest that this variant may not impact RNA splicing. To our knowledge, functional assays have not been performed for this variant nor has this variant been reported in individuals affected with cardiovascular disorders in the literature. This variant has not been identified in the general population by the Genome Aggregation Database (gnomAD). Available evidence is insufficient to determine the role of this variant in disease conclusively. Therefore, this variant is classified as a Variant of Uncertain Significance.

NM_001035.3(RYR2):c.8317T>C (p.Trp2773Arg)

Gene: RYR2 (ryanodine receptor 2; plus strand). Cytogenetic location: 1q43.
Variant type: single nucleotide variant.
Coding change: c.8317T>C on transcript NM_001035.3 (MANE Select); coding-DNA position 8317, T replaced by C.
Protein change: p.Trp2773Arg; replaces tryptophan 2773 with arginine.
Molecular consequence: missense variant.
Genome position (GRCh38, 1-based): chr1:237,660,828, T>C. VCF-style: chr1-237660828-T-C. GRCh37 (hg19) VCF-style: chr1-237824128-T-C.
Other names: c.8317T>C (NM_001035.2); short protein forms W2773R.
Identifiers: ClinVar variation 921809 (VCV000921809.6), dbSNP rs1683713927, ClinGen allele CA345401763.